The following is an entry in ClinVar:

ClinVar aggregate classification (germline): Conflicting classifications of pathogenicity. Review status: criteria provided, conflicting classifications (1 of 4 stars). 3 submissions from 3 submitters: Uncertain significance (2); Benign (1). Last evaluated 2025-02-16.

Allele frequency attached by ClinVar (database versions not stated): TOPMed 0.00023; gnomAD exomes 0.00027; 1000 Genomes Project 30x 0.00031; gnomAD 0.00032; ExAC 0.00036; 1000 Genomes Project 0.00040; ESP Exome Variant Server 0.00069.
gnomAD v4.1: 435 of 1,609,246 alleles (0.027%); highest among the groups gnomAD compares: Non-Finnish European, 0.033%; 1 homozygote.

Submissions (3):

Laboratory of Genetics, Children's Clinical University Hospital Latvia
Classification: Benign. Last evaluated: 2025-02-16. Review status: criteria provided, single submitter. Criteria: ACMG Guidelines, 2015. Collection method: clinical testing. Allele origin: germline. Affected: yes.

Ambry Genetics
Classification: Uncertain significance. Last evaluated: 2024-12-10. Review status: criteria provided, single submitter. Criteria: Ambry Variant Classification Scheme 2023. Collection method: clinical testing. Allele origin: germline.
Comment: The p.T766M variant (also known as c.2297C>T), located in coding exon 12 of the ATRIP gene, results from a C to T substitution at nucleotide position 2297. The threonine at codon 766 is replaced by methionine, an amino acid with similar properties. This amino acid position is well conserved in available vertebrate species. In addition, this alteration is predicted to be tolerated by in silico analysis. The evidence for this gene-disease relationship is limited; therefore, the clinical significance of this alteration is unclear.

Labcorp Genetics (formerly Invitae), Labcorp
Classification: Uncertain significance. Last evaluated: 2024-12-10. Review status: criteria provided, single submitter. Criteria: Invitae Variant Classification Sherloc (09022015). Collection method: clinical testing. Allele origin: germline.
Comment: This sequence change replaces threonine, which is neutral and polar, with methionine, which is neutral and non-polar, at codon 766 of the ATRIP protein (p.Thr766Met). This variant is present in population databases (rs137912936, gnomAD 0.06%), and has an allele count higher than expected for a pathogenic variant. This variant has not been reported in the literature in individuals affected with ATRIP-related conditions. ClinVar contains an entry for this variant (Variation ID: 2052675). An algorithm developed to predict the effect of missense changes on protein structure and function (PolyPhen-2) suggests that this variant is likely to be disruptive. In summary, the available evidence is currently insufficient to determine the role of this variant in disease. Therefore, it has been classified as a Variant of Uncertain Significance.

NM_130384.3(ATRIP):c.2297C>T (p.Thr766Met)

Genes: ATRIP (ATR interacting protein; plus strand), ATRIP-TREX1 (ATRIP-TREX1 readthrough; plus strand). Cytogenetic location: 3p21.31.
Variant type: single nucleotide variant.
Coding change: c.2297C>T on transcript NM_130384.3 (MANE Select); coding-DNA position 2297, C replaced by T.
Protein change: p.Thr766Met; replaces threonine 766 with methionine.
Molecular consequence: missense variant. On other transcripts: non-coding transcript variant (1).
Genome position (GRCh38, 1-based): chr3:48,465,072, C>T. VCF-style: chr3-48465072-C-T. GRCh37 (hg19) VCF-style: chr3-48506471-C-T.
Other names: c.2018C>T, p.Thr673Met (NM_001271023.2); c.2216C>T, p.Thr739Met (NM_032166.4); c.1916C>T, p.Thr639Met (NM_001271022.2); short protein forms T739M, T639M, T673M, T766M.
Identifiers: ClinVar variation 2052675 (VCV002052675.5), dbSNP rs137912936, ClinGen allele CA2376449.